The following is an entry in ClinVar:

ClinVar aggregate classification (germline): Uncertain significance (1 of 4 stars; one submission).

Conditions:
Neuroblastoma, susceptibility to, 3. Also called: ALK-Related Neuroblastic Tumor Susceptibility. Identifiers: Orphanet 635, MedGen C2751681, MONDO:0013083, OMIM 613014.

Submission:

Labcorp Genetics (formerly Invitae), Labcorp
Classification: Uncertain significance for Neuroblastoma, susceptibility to, 3. Last evaluated: 2025-09-28. Review status: criteria provided, single submitter. Criteria: Invitae Variant Classification Sherloc (09022015). Collection method: clinical testing. Allele origin: germline.
Comment: This sequence change replaces lysine, which is basic and polar, with asparagine, which is neutral and polar, at codon 1612 of the ALK protein (p.Lys1612Asn). This variant is not present in population databases (gnomAD no frequency). This variant has not been reported in the literature in individuals affected with ALK-related conditions. ClinVar contains an entry for this variant (Variation ID: 2828348). An algorithm developed to predict the effect of missense changes on protein structure and function (PolyPhen-2) suggests that this variant is likely to be disruptive. In summary, the available evidence is currently insufficient to determine the role of this variant in disease. Therefore, it has been classified as a Variant of Uncertain Significance.

NM_004304.5(ALK):c.4836G>T (p.Lys1612Asn)

Gene: ALK (ALK receptor tyrosine kinase; minus strand). Cytogenetic location: 2p23.2.
Variant type: single nucleotide variant.
Coding change: c.4836G>T on transcript NM_004304.5 (MANE Select); coding-DNA position 4836, G replaced by T.
Protein change: p.Lys1612Asn; replaces lysine 1612 with asparagine.
Molecular consequence: missense variant.
Genome position (GRCh38, 1-based): chr2:29,193,251, C>A on the plus strand (G>T on the coding strand, the complement: ALK is on the minus strand). VCF-style: chr2-29193251-C-A. GRCh37 (hg19) VCF-style: chr2-29416117-C-A.
Other names: c.1632G>T, p.Lys544Asn (NM_001353765.2); short protein forms K1612N, K544N.
Identifiers: ClinVar variation 2828348 (VCV002828348.3), dbSNP rs78174819, ClinGen allele CA346460050.
Genomic context (GRCh38, chr2:29,193,251, plus strand): 5'-TCCCAAGGAAGAGAAGTGAGTGTGCGACCGAGCTCAGGGCCCAGGCTGGTTCATGCTATT[C>A]TTGCTTTTCAGAATGGTATCCTCGTAATGACCAGCTCCAGGGGCAGTAGCGGCTTCTAAG-3'
Protein context (NP_004295.2, residues 1602-1620): GHYEDTILKS[Lys1612Asn]NSMNQPGP